The following is an entry in ClinVar:

ClinVar aggregate classification (germline): Pathogenic (1 of 4 stars; one submission).

Conditions:
X-linked Alport syndrome (ATS1). Also called: COL4A5-Related Nephropathy; NEPHROPATHY AND DEAFNESS, X-LINKED. Identifiers: Orphanet 63, Orphanet 88917, MedGen C4746986, MONDO:0010520, OMIM 301050.

Submission:

MVZ Medizinische Genetik Mainz
Classification: Pathogenic for X-linked Alport syndrome. Last evaluated: 2025-11-20. Review status: criteria provided, single submitter. Criteria: UK Practice Guidelines For Variant Classification V4 01 2020. Collection method: clinical testing. Allele origin: germline. Inheritance: X-linked dominant inheritance. Affected: yes. Observed: 1 variant allele.
Comment: ACMG Criteria: PVS1,PM2_SUP,PP4

NM_033380.3(COL4A5):c.4067del (p.Pro1356fs)

Gene: COL4A5 (collagen type IV alpha 5 chain; plus strand). Cytogenetic location: Xq22.3.
Variant type: Deletion.
Coding change: c.4067del on transcript NM_033380.3 (MANE Select); coding-DNA position 4067, one base deleted (C; older notation c.4067delC).
Protein change: p.Pro1356fs; shifts the reading frame from proline 1356.
Molecular consequence: frameshift variant.
Genome position (GRCh38, 1-based): chrX:108,680,936, C deleted; the last of 2 consecutive C bases (chrX:108,680,935-108,680,936); deleting either gives the same sequence. VCF-style (leftmost placement, unchanged base first): chrX-108680934-AC-A. GRCh37 (hg19) VCF-style: chrX-107924164-AC-A.
Other names: c.4049del, p.Pro1350fs (NM_000495.5); short protein forms P1350fs, P1356fs.
Identifiers: ClinVar variation 5038078 (VCV005038078.1).
Genomic context (GRCh38, chrX:108,680,934, plus strand): 5'-CTTCTGTGCAGGCATGAAAGGACCCAGTGGAGTACCTGGATCAGCTGGCCCTGAGGGGGA[AC>A]CGGGACTTATTGGTCCTCCAGGTAAGACTTATTCCTGAAGATAGTTATACCTGATACTTA-3'